The following is an entry in ClinVar:

ClinVar aggregate classification (germline): Uncertain significance. Review status: criteria provided, multiple submitters, no conflicts (2 of 4 stars). 2 submissions from 2 submitters: Uncertain significance (2). Last evaluated 2025-12-28.

Conditions:
Left ventricular noncompaction 8 (LVNC8). Identifiers: Orphanet 154, Orphanet 54260, MedGen C3809288, MONDO:0014152, OMIM 615373.

Allele frequency attached by ClinVar (database versions not stated): gnomAD exomes below 0.00001; ExAC below 0.00001; gnomAD 0.00001; TOPMed 0.00001.

Submissions (2):

Labcorp Genetics (formerly Invitae), Labcorp
Classification: Uncertain significance for Left ventricular noncompaction 8. Last evaluated: 2025-12-28. Review status: criteria provided, single submitter. Criteria: Invitae Variant Classification Sherloc (09022015). Collection method: clinical testing. Allele origin: germline.
Comment: This variant, c.2521_2526dup, results in the insertion of 2 amino acid(s) of the PRDM16 protein (p.Gln841_Val842dup), but otherwise preserves the integrity of the reading frame. This variant is not present in population databases (gnomAD no frequency). This variant has not been reported in the literature in individuals affected with PRDM16-related conditions. ClinVar contains an entry for this variant (Variation ID: 666913). In summary, the available evidence is currently insufficient to determine the role of this variant in disease. Therefore, it has been classified as a Variant of Uncertain Significance.

Laboratory for Molecular Medicine, Mass General Brigham Personalized Medicine
Classification: Uncertain significance. Last evaluated: 2020-04-20. Review status: criteria provided, single submitter. Criteria: ACMG Guidelines, 2015. Collection method: clinical testing. Allele origin: germline.
Comment: It was absent from large population studies; although, coverage of this region was low. This variant is a duplication of 2 amino acids beginning at position 841 and is not predicted to alter the protein reading-frame. It is unclear if this duplication will impact the protein. In summary, the clinical significance of the p.Gln841_Val842dup variant is uncertain. ACMG/AMP Criteria applied: PM4_Supporting.

NM_022114.4(PRDM16):c.2521_2526dup (p.Gln841_Val842dup)

Gene: PRDM16 (PR/SET domain 16; plus strand). Cytogenetic location: 1p36.32.
Variant type: Duplication.
Coding change: c.2521_2526dup on transcript NM_022114.4 (MANE Select); coding-DNA positions 2521 to 2526, 6 bases duplicated (CAGGTG; older notation c.2521_2526dupCAGGTG).
Protein change: p.Gln841_Val842dup.
Molecular consequence: inframe insertion.
Genome position (GRCh38, 1-based): chr1:3,412,718-3,412,723, CAGGTG duplicated. VCF-style (leftmost placement, unchanged base first): chr1-3412717-C-CCAGGTG. GRCh37 (hg19) VCF-style: chr1-3329281-C-CCAGGTG.
Other names: c.2521_2526dup, p.Gln841_Val842dup (NM_199454.3).
Identifiers: ClinVar variation 666913 (VCV000666913.9), dbSNP rs776728016, ClinGen allele CA544497.